The following is an entry in ClinVar:

ClinVar aggregate classification (germline): Benign/Likely benign. Review status: criteria provided, multiple submitters, no conflicts (2 of 4 stars). 3 submissions from 3 submitters: Benign (1); Likely benign (2). Last evaluated 2026-07-07.

Conditions:
Lynch syndrome 5 (LYNCH5). Also called: Colorectal cancer, hereditary nonpolyposis, type 5; Hereditary non-polyposis colorectal cancer, type 5. Identifiers: Orphanet 144, MedGen C1833477, MONDO:0013710, OMIM 614350. Disease mechanism: loss of function.
Hereditary cancer-predisposing syndrome. Also called: Tumor predisposition; Hereditary neoplastic syndrome; Hereditary Cancer Syndrome; Neoplastic Syndromes, Hereditary. Identifiers: Orphanet 140162, MedGen C0027672, MeSH D009386, MONDO:0015356.
Hereditary nonpolyposis colorectal neoplasms. Identifiers: MedGen C0009405, MeSH D003123.

Submissions (3):

Ambry Genetics
Classification: Likely benign for Hereditary cancer-predisposing syndrome. Last evaluated: 2026-07-07. Review status: criteria provided, single submitter. Criteria: Ambry Variant Classification Scheme 2023. Collection method: clinical testing. Allele origin: germline.

Myriad Genetics, Inc.
Classification: Benign for Lynch syndrome 5. Last evaluated: 2024-12-30. Review status: criteria provided, single submitter. Criteria: Myriad Autosomal Dominant, Autosomal Recessive and X-Linked Classification Criteria (2023). Collection method: clinical testing. Allele origin: unknown.
Comment: This variant is considered benign. This variant is a silent/synonymous amino acid change and it is not expected to impact splicing.

Labcorp Genetics (formerly Invitae), Labcorp
Classification: Likely benign for Hereditary nonpolyposis colorectal neoplasms. Last evaluated: 2024-06-04. Review status: criteria provided, single submitter. Criteria: Invitae Variant Classification Sherloc (09022015). Collection method: clinical testing. Allele origin: germline.

NM_000179.3(MSH6):c.1998T>G (p.Ser666=)

Gene: MSH6 (mutS homolog 6; plus strand). Cytogenetic location: 2p16.3.
Variant type: single nucleotide variant.
Coding change: c.1998T>G on transcript NM_000179.3 (MANE Select); coding-DNA position 1998, T replaced by G.
Protein change: p.Ser666=; no amino-acid change (serine 666 retained).
Molecular consequence: synonymous variant. On other transcripts: intron variant (2), non-coding transcript variant (5).
Genome position (GRCh38, 1-based): chr2:47,799,981, T>G. VCF-style: chr2-47799981-T-G. GRCh37 (hg19) VCF-style: chr2-48027120-T-G.
Other names: c.1606+392T>G (NM_001406817.1); c.628-685T>G (NM_001407362.1); c.1998T>G, p.Ser666= (NM_001406798.1, NM_001406800.1, NM_001406803.1 and 3 more transcripts); c.1473T>G, p.Ser491= (NM_001406799.1, NM_001406806.1, NM_001406807.1); c.1701T>G, p.Ser567= (NM_001406801.1, NM_001406805.1, NM_001406797.1 and 10 more transcripts); c.2094T>G, p.Ser698= (NM_001406802.1, NM_001406795.1); c.1920T>G, p.Ser640= (NM_001406804.1); c.1608T>G, p.Ser536= (NM_001281492.2); and 3 more.
Identifiers: ClinVar variation 3655436 (VCV003655436.4).